The following is an entry in ClinVar:

ClinVar aggregate classification (germline): Pathogenic (1 of 4 stars; one submission).

Conditions:
Congenital myasthenic syndrome 10. Also called: Myasthenia, limb-girdle, familial. Identifiers: Orphanet 590, MedGen C1850792, MONDO:0009690, OMIM 254300.
Fetal akinesia deformation sequence 1 (FADS1). Also called: Pena-Shokeir syndrome type I; Fetal akinesia sequence. Identifiers: Orphanet 994, MedGen C1276035, MONDO:0100101, OMIM 208150, HP:0001989.

Submission:

Labcorp Genetics (formerly Invitae), Labcorp
Classification: Pathogenic for Congenital myasthenic syndrome 10; Fetal akinesia deformation sequence 1. Last evaluated: 2023-05-25. Review status: criteria provided, single submitter. Criteria: Invitae Variant Classification Sherloc (09022015). Collection method: clinical testing. Allele origin: germline.
Comment: This sequence change creates a premature translational stop signal (p.Leu385Argfs*21) in the DOK7 gene. While this is not anticipated to result in nonsense mediated decay, it is expected to disrupt the last 120 amino acid(s) of the DOK7 protein. This variant is not present in population databases (gnomAD no frequency). This variant has not been reported in the literature in individuals affected with DOK7-related conditions. This variant disrupts a region of the DOK7 protein in which other variant(s) (p.Pro486Argfs*15) have been determined to be pathogenic (PMID: 29118959). This suggests that this is a clinically significant region of the protein, and that variants that disrupt it are likely to be disease-causing. For these reasons, this variant has been classified as Pathogenic.

Literature cited by the submitters: PubMed 29118959.

NM_173660.5(DOK7):c.1153_1166delinsAGGGGCCCCCGA (p.Leu385fs)

Gene: DOK7 (docking protein 7; plus strand). Cytogenetic location: 4p16.3.
Variant type: Indel.
Coding change: c.1153_1166delinsAGGGGCCCCCGA on transcript NM_173660.5 (MANE Select); coding-DNA positions 1153 to 1166, CTGTGCACCTGCCT replaced by AGGGGCCCCCGA.
Protein change: p.Leu385fs; shifts the reading frame from leucine 385.
Molecular consequence: frameshift variant. On other transcripts: 3 prime UTR variant (1).
Genome position (GRCh38, 1-based): chr4:3,493,139-3,493,152, CTGTGCACCTGCCT replaced by AGGGGCCCCCGA. VCF-style: chr4-3493139-CTGTGCACCTGCCT-AGGGGCCCCCGA. GRCh37 (hg19) VCF-style: chr4-3494866-CTGTGCACCTGCCT-AGGGGCCCCCGA.
Other names: c.*374_*387delinsAGGGGCCCCCGA (NM_001164673.2); c.223_236delinsAGGGGCCCCCGA, p.Leu75fs (NM_001256896.2); c.1153_1166delinsAGGGGCCCCCGA, p.Leu385fs (NM_001301071.2); c.721_734delinsAGGGGCCCCCGA, p.Leu241fs (NM_001363811.2); short protein forms L385fs, L241fs, L75fs.
Identifiers: ClinVar variation 2948231 (VCV002948231.3), dbSNP rs2475113873, ClinGen allele CA2740091105.